The following is an entry in ClinVar:

NM_194277.3(FRMD7):c.1370dup (p.Met457fs)

Gene: FRMD7 (FERM domain containing 7; minus strand). Cytogenetic location: Xq26.2.
Variant type: Duplication.
Coding change: c.1370dup on transcript NM_194277.3 (MANE Select); coding-DNA position 1370, one base duplicated (T; older notation c.1370dupT).
Protein change: p.Met457fs; shifts the reading frame from methionine 457.
Molecular consequence: frameshift variant.
Genome position (GRCh38, 1-based): chrX:132,078,647, A duplicated on the plus strand (T on the coding strand, the reverse complement: FRMD7 is on the minus strand). VCF-style (leftmost placement, unchanged base first): chrX-132078646-C-CA. GRCh37 (hg19) VCF-style: chrX-131212674-C-CA.
Other names: c.1325dup, p.Met442fs (NM_001306193.2); c.1370dup (NM_194277.2); short protein forms M442fs, M457fs.
Identifiers: ClinVar variation 1452463 (VCV001452463.7), dbSNP rs2124209063, ClinGen allele CA2573159263.

ClinVar aggregate classification (germline): Pathogenic/Likely pathogenic. Review status: criteria provided, multiple submitters, no conflicts (2 of 4 stars). 2 submissions from 2 submitters: Pathogenic (1); Likely pathogenic (1). Last evaluated 2025-08-15.

Submissions (2):

GeneDx
Classification: Likely pathogenic. Last evaluated: 2025-08-15. Review status: criteria provided, single submitter. Criteria: GeneDx Variant Classification Process June 2021. Collection method: clinical testing. Allele origin: germline.
Comment: Frameshift variant predicted to result in abnormal protein length as the last 258 amino acid(s) are replaced with 55 different amino acid(s), and other similar variants have been reported in HGMD; Not observed at significant frequency in large population cohorts (gnomAD); Has not been previously published as pathogenic or benign to our knowledge

Labcorp Genetics (formerly Invitae), Labcorp
Classification: Pathogenic. Last evaluated: 2022-09-20. Review status: criteria provided, single submitter. Criteria: Invitae Variant Classification Sherloc (09022015). Collection method: clinical testing. Allele origin: germline.
Comment: This variant is not present in population databases (gnomAD no frequency). This sequence change creates a premature translational stop signal (p.Met457Ilefs*56) in the FRMD7 gene. While this is not anticipated to result in nonsense mediated decay, it is expected to disrupt the last 258 amino acid(s) of the FRMD7 protein. This variant has not been reported in the literature in individuals affected with FRMD7-related conditions. ClinVar contains an entry for this variant (Variation ID: 1452463). This variant disrupts a region of the FRMD7 protein in which other variant(s) (p.Phe497Metfs*26) have been determined to be pathogenic (PMID: 22065930; Invitae). This suggests that this is a clinically significant region of the protein, and that variants that disrupt it are likely to be disease-causing. For these reasons, this variant has been classified as Pathogenic.

Literature cited by the submitters: PubMed 22065930 (cited by Labcorp Genetics (formerly Invitae), Labcorp).